The following is an entry in ClinVar:

NM_001127671.2(LIFR):c.2875C>A (p.Pro959Thr)

Gene: LIFR (LIF receptor subunit alpha; minus strand). Cytogenetic location: 5p13.1.
Variant type: single nucleotide variant.
Coding change: c.2875C>A on transcript NM_001127671.2 (MANE Select); coding-DNA position 2875, C replaced by A.
Protein change: p.Pro959Thr; replaces proline 959 with threonine.
Molecular consequence: missense variant.
Genome position (GRCh38, 1-based): chr5:38,482,014, G>T on the plus strand (C>A on the coding strand, the complement: LIFR is on the minus strand). VCF-style: chr5-38482014-G-T. GRCh37 (hg19) VCF-style: chr5-38482116-G-T.
Other names: c.2875C>A (NM_002310.5); c.2875C>A, p.Pro959Thr (NM_001364297.2, NM_002310.6); c.2842C>A, p.Pro948Thr (NM_001364298.2); short protein forms P959T, P948T.
Identifiers: ClinVar variation 2199791 (VCV002199791.4), dbSNP rs774998696, ClinGen allele CA3242551.
Genomic context (GRCh38, chr5:38,482,014, plus strand): 5'-ACTGAACATCAATGTAAATAACCTGTGCAGTCCCTCCAGCTTCATCTGCGGCTGGGTTTG[G>T]TATTTCTTCCTCAATGATGGGTGGACAATAGGACACAACCACATGGTTTTCAGGCTCTGC-3'
Protein context (NP_001121143.1, residues 949-969): YCPPIIEEEI[Pro959Thr]NPAADEAGGT

ClinVar aggregate classification (germline): Uncertain significance. Review status: criteria provided, multiple submitters, no conflicts (2 of 4 stars). 2 submissions from 2 submitters: Uncertain significance (2). Last evaluated 2025-11-24.

Conditions:
Inborn genetic diseases. Identifiers: MedGen C0950123, MeSH D030342.

Allele frequency attached by ClinVar (database versions not stated): gnomAD 0.00003.
gnomAD v4.1: 12 of 1,613,972 alleles (0.00074%); highest among the groups gnomAD compares: Admixed American, 0.012%; no homozygotes.

Submissions (2):

Ambry Genetics
Classification: Uncertain significance for Inborn genetic diseases. Last evaluated: 2025-11-24. Review status: criteria provided, single submitter. Criteria: Ambry Variant Classification Scheme 2023. Collection method: clinical testing. Allele origin: germline.

Labcorp Genetics (formerly Invitae), Labcorp
Classification: Uncertain significance. Last evaluated: 2022-09-27. Review status: criteria provided, single submitter. Criteria: Invitae Variant Classification Sherloc (09022015). Collection method: clinical testing. Allele origin: germline.
Comment: This sequence change replaces proline, which is neutral and non-polar, with threonine, which is neutral and polar, at codon 959 of the LIFR protein (p.Pro959Thr). This variant is present in population databases (rs774998696, gnomAD 0.003%). This variant has not been reported in the literature in individuals affected with LIFR-related conditions. Algorithms developed to predict the effect of missense changes on protein structure and function output the following: SIFT: "Tolerated"; PolyPhen-2: "Benign"; Align-GVGD: "Class C0". The threonine amino acid residue is found in multiple mammalian species, which suggests that this missense change does not adversely affect protein function. In summary, the available evidence is currently insufficient to determine the role of this variant in disease. Therefore, it has been classified as a Variant of Uncertain Significance.